The following is an entry in ClinVar:

NM_012434.5(SLC17A5):c.978+70G>A

Gene: SLC17A5 (solute carrier family 17 member 5; minus strand). Cytogenetic location: 6q13.
Variant type: single nucleotide variant.
Coding change: c.978+70G>A on transcript NM_012434.5 (MANE Select); 70 bases into the intron after coding-DNA position 978, G replaced by A.
Molecular consequence: intron variant.
Genome position (GRCh38, 1-based): chr6:73,621,734, C>T on the plus strand (G>A on the coding strand, the complement: SLC17A5 is on the minus strand). VCF-style: chr6-73621734-C-T. GRCh37 (hg19) VCF-style: chr6-74331457-C-T.
Identifiers: ClinVar variation 672087 (VCV000672087.4), dbSNP rs610260, ClinGen allele CA140962982.
Genomic context (GRCh38, chr6:73,621,734, plus strand): 5'-AATCTCTAAAATTTAGGACAGCAGAGTAAAATGGAAGATACAGAATAACTGAATTTTATA[C>T]AGATGAGAACAAATTCTGTGTATGGTCTTATACTATATATATAAGAAGCAGATGATTATT-3'

ClinVar aggregate classification (germline): Benign. Review status: criteria provided, multiple submitters, no conflicts (2 of 4 stars). 3 submissions from 2 submitters: Benign (3). Last evaluated 2021-07-10.

Conditions:
Sialic acid storage disease, severe infantile type (ISSD). Also called: INFANTILE SIALIC ACID STORAGE DISORDER; Free sialic acid storage disease, infantile form; N-ACETYLNEURAMINIC ACID STORAGE DISEASE; NANA STORAGE DISEASE; SIALURIA, INFANTILE FORM; Infantile Sialic Acid Storage Disease. Identifiers: Orphanet 309324, Orphanet 834, MedGen C1096902, MONDO:0010027, OMIM 269920.
Salla disease (SD). Also called: Sialuria, Finnish type; N-acetylneuraminic acid (NANA) storage disease (NSD); Infantile sialic acid storage disorder (ISSD); Less Severe FSASD (Salla Disease). Identifiers: Orphanet 309334, Orphanet 834, MedGen C1096903, MONDO:0011449, OMIM 604369.

Allele frequency attached by ClinVar (database versions not stated): gnomAD exomes 0.08536; gnomAD 0.16245 and 0.16613; TOPMed 0.17890; 1000 Genomes Project 0.19649; 1000 Genomes Project 30x 0.20534.
gnomAD v4.1: 119,862 of 1,251,586 alleles (9.6%); highest among the groups gnomAD compares: African/African-American, 34%; 8,698 homozygotes.

Submissions (3):

Genome-Nilou Lab
Classification: Benign for Salla disease. Last evaluated: 2021-07-10. Review status: criteria provided, single submitter. Criteria: ACMG Guidelines, 2015. Collection method: clinical testing. Allele origin: germline. Affected: no.

Genome-Nilou Lab
Classification: Benign for Sialic acid storage disease, severe infantile type. Last evaluated: 2021-07-10. Review status: criteria provided, single submitter. Criteria: ACMG Guidelines, 2015. Collection method: clinical testing. Allele origin: germline. Affected: no.

GeneDx
Classification: Benign. Last evaluated: 2018-06-19. Review status: criteria provided, single submitter. Criteria: GeneDx Variant Classification (06012015). Collection method: clinical testing. Allele origin: germline. Affected: yes.
Comment: This variant is considered likely benign or benign based on one or more of the following criteria: it is a conservative change, it occurs at a poorly conserved position in the protein, it is predicted to be benign by multiple in silico algorithms, and/or has population frequency not consistent with disease.